The following is an entry in ClinVar:

NM_014283.5(SUCO):c.3197T>C (p.Met1066Thr)

Gene: SUCO (SUN domain containing ossification factor; plus strand). Cytogenetic location: 1q24.3.
Variant type: single nucleotide variant.
Coding change: c.3197T>C on transcript NM_014283.5 (MANE Select); coding-DNA position 3197, T replaced by C.
Protein change: p.Met1066Thr; replaces methionine 1066 with threonine.
Molecular consequence: missense variant.
Genome position (GRCh38, 1-based): chr1:172,602,719, T>C. VCF-style: chr1-172602719-T-C. GRCh37 (hg19) VCF-style: chr1-172571859-T-C.
Other names: c.2084T>C, p.Met695Thr (NM_001282750.2); c.1508T>C, p.Met503Thr (NM_001282751.2); c.3650T>C, p.Met1217Thr (NM_016227.4); short protein forms M1217T, M503T, M695T, M1066T.
Identifiers: ClinVar variation 4748683 (VCV004748683.1).
Genomic context (GRCh38, chr1:172,602,719, plus strand): 5'-TCGTTGTAACCAATATGTATTTTTCCTAATGTGTTAGGTGTTTCTCTTCCTATGATGATA[T>C]GAATTTGAAAAGAAGAACTTCATTCCCACTCATGAGATCCAAGTCTCTACAGTTAACTGG-3'
Protein context (NP_055098.1, residues 1056-1076): PKRCFSSYDD[Met1066Thr]NLKRRTSFPL

ClinVar aggregate classification (germline): Uncertain significance (1 of 4 stars; one submission).

Submission:

Labcorp Genetics (formerly Invitae), Labcorp
Classification: Uncertain significance. Last evaluated: 2025-07-01. Review status: criteria provided, single submitter. Criteria: Invitae Variant Classification Sherloc (09022015). Collection method: clinical testing. Allele origin: germline.
Comment: This sequence change replaces methionine, which is neutral and non-polar, with threonine, which is neutral and polar, at codon 1066 of the SUCO protein (p.Met1066Thr). This variant is present in population databases (rs146295030, gnomAD 0.002%). This variant has not been reported in the literature in individuals affected with SUCO-related conditions. An algorithm developed to predict the effect of missense changes on protein structure and function (PolyPhen-2) suggests that this variant is likely to be tolerated. In summary, the available evidence is currently insufficient to determine the role of this variant in disease. Therefore, it has been classified as a Variant of Uncertain Significance.